The following is an entry in ClinVar:

NM_017491.5(WDR1):c.1433C>T (p.Thr478Met)

Gene: WDR1 (WD repeat domain 1; minus strand). Cytogenetic location: 4p16.1.
Variant type: single nucleotide variant.
Coding change: c.1433C>T on transcript NM_017491.5 (MANE Select); coding-DNA position 1433, C replaced by T.
Protein change: p.Thr478Met; replaces threonine 478 with methionine.
Molecular consequence: missense variant.
Genome position (GRCh38, 1-based): chr4:10,077,889, G>A on the plus strand (C>T on the coding strand, the complement: WDR1 is on the minus strand). VCF-style: chr4-10077889-G-A. GRCh37 (hg19) VCF-style: chr4-10079513-G-A.
Other names: c.1013C>T, p.Thr338Met (NM_005112.5); short protein forms T338M, T478M.
Identifiers: ClinVar variation 973740 (VCV000973740.12), dbSNP rs186889066, ClinGen allele CA2857559.

ClinVar aggregate classification (germline): Conflicting classifications of pathogenicity. Review status: criteria provided, conflicting classifications (1 of 4 stars). 4 submissions from 4 submitters: Uncertain significance (1); Likely benign (1). 2 of the submissions do not count toward it. Last evaluated 2026-02-02.

Conditions:
WDR1-related disorder. Also called: WDR1-related condition.
WDR1 deficiency. Identifiers: MedGen CN262306. Disease mechanism: loss of function.

Allele frequency attached by ClinVar (database versions not stated): ESP Exome Variant Server 0.00023; 1000 Genomes Project 0.00040; 1000 Genomes Project 30x 0.00047; gnomAD exomes 0.00060 and 0.00061; ExAC 0.00061; gnomAD 0.00067 and 0.00080; TOPMed 0.00081.

Submissions (4):

Labcorp Genetics (formerly Invitae), Labcorp
Classification: Likely benign. Last evaluated: 2026-02-02. Review status: criteria provided, single submitter. Criteria: Invitae Variant Classification Sherloc (09022015). Collection method: clinical testing. Allele origin: germline.

Blueprint Genetics
Classification: Uncertain significance. Last evaluated: 2024-11-21. Review status: criteria provided, single submitter. Criteria: ACMG Guidelines, 2015. Collection method: clinical testing. Allele origin: germline.

UOSD Laboratory of Genetics & Genomics of Rare Diseases, Istituto Giannina Gaslini
Classification: Uncertain significance for WDR1 deficiency. Last evaluated: 2020-05-21. Review status: no assertion criteria provided. Collection method: clinical testing. Allele origin: germline. Affected: yes. Observed: 1 variant allele. Not counted in ClinVar's aggregate classification.

PreventionGenetics, part of Exact Sciences
Classification: Likely benign for WDR1-related condition. Last evaluated: 2020-01-08. Review status: no assertion criteria provided. Collection method: clinical testing. Allele origin: germline. Not counted in ClinVar's aggregate classification.
Comment: This variant is classified as likely benign based on ACMG/AMP sequence variant interpretation guidelines (Richards et al. 2015 PMID: 25741868, with internal and published modifications).